The following is an entry in ClinVar:

ClinVar aggregate classification (germline): Pathogenic (1 of 4 stars; one submission).

Submission:

ISCA Site 6
Classification: Pathogenic. Last evaluated: 2011-08-12. Review status: criteria provided, single submitter. Criteria: Kaminsky et al. (Genet Med. 2011). Collection method: clinical testing. Allele origin: unknown. Affected: yes. Observed: 1 variant allele.
Comment: Copy number variation identified through the course of routine clinical cytogenomic testing in postnatal populations. Clinical assertions have been curated as described in Kaminsky et al. 2011.

GRCh38/hg38 15q13.2-13.3(chr15:30361674-32630901)x1

Genes: ARHGAP11A (Rho GTPase activating protein 11A; plus strand), ARHGAP11A-DT (ARHGAP11A divergent transcript; minus strand), ARHGAP11A-SCG5 (ARHGAP11A-SCG5 readthrough; plus strand), ARHGAP11B (Rho GTPase activating protein 11B), ARHGAP11B-DT (ARHGAP11B divergent transcript) and 41 more. Cytogenetic location: 15q13.2-13.3.
Variant type: copy number loss.
Change: copy number 1 (one copy instead of two) of chr15:30,361,674-32,630,901 (2.27 Mb, GRCh38 coordinates, 1-based), cytogenetic band 15q13.2-13.3.
Identifiers: ClinVar variation 57845 (VCV000057845.2).